The following is an entry in ClinVar:

NM_000435.3(NOTCH3):c.4233C>T (p.Gly1411=)

Genes: NOTCH3 (notch receptor 3; minus strand), LOC130063807 (ATAC-STARR-seq lymphoblastoid silent region 10267; plus strand). Cytogenetic location: 19p13.12.
Variant type: single nucleotide variant.
Coding change: c.4233C>T on transcript NM_000435.3 (MANE Select); coding-DNA position 4233, C replaced by T.
Protein change: p.Gly1411=; no amino-acid change (glycine 1411 retained).
Molecular consequence: synonymous variant.
Genome position (GRCh38, 1-based): chr19:15,177,695, G>A on the plus strand (C>T on the coding strand, the complement: NOTCH3 is on the minus strand). VCF-style: chr19-15177695-G-A. GRCh37 (hg19) VCF-style: chr19-15288506-G-A.
Other names: p.Gly1411=.
Identifiers: ClinVar variation 995326 (VCV000995326.19), dbSNP rs766249401, ClinGen allele CA9262949.

ClinVar aggregate classification (germline): Likely benign. Review status: criteria provided, multiple submitters, no conflicts (2 of 4 stars). 4 submissions from 4 submitters: Likely benign (4). Last evaluated 2026-02-01.

Allele frequency attached by ClinVar (database versions not stated): ExAC below 0.00001; gnomAD 0.00002; gnomAD exomes 0.00004 and 0.00008.

Submissions (4):

CeGaT Center for Human Genetics Tuebingen
Classification: Likely benign. Last evaluated: 2026-02-01. Review status: criteria provided, single submitter. Criteria: CeGaT Center For Human Genetics Tuebingen Variant Classification Criteria Version 2. Collection method: clinical testing. Allele origin: germline. Affected: yes. Observed: 2 variant alleles.
Comment: NOTCH3: BP4, BP7

Mayo Clinic Laboratories, Mayo Clinic
Classification: Likely benign. Last evaluated: 2025-10-14. Review status: criteria provided, single submitter. Criteria: ACMG Guidelines, 2015. Collection method: clinical testing. Allele origin: germline. Observed: 1 variant allele.
Comment: BS2, BP4, BP7

Labcorp Genetics (formerly Invitae), Labcorp
Classification: Likely benign. Last evaluated: 2023-09-29. Review status: criteria provided, single submitter. Criteria: Invitae Variant Classification Sherloc (09022015). Collection method: clinical testing. Allele origin: germline.

Athena Diagnostics
Classification: Likely benign. Last evaluated: 2020-01-14. Review status: criteria provided, single submitter. Criteria: Athena Diagnostics Criteria. Collection method: clinical testing. Allele origin: unknown.